The following is an entry in ClinVar:

ClinVar aggregate classification (germline): Benign/Likely benign. Review status: criteria provided, multiple submitters, no conflicts (2 of 4 stars). 5 submissions from 5 submitters: Benign (4); Likely benign (1). Last evaluated 2026-02-01.

Conditions:
PGM1-congenital disorder of glycosylation. Also called: CDG It; Congenital disorder of glycosylation type 1t; PHOSPHOGLUCOMUTASE 1 DEFICIENCY; PGM1 DEFICIENCY; GLYCOGEN STORAGE DISEASE XIV; GSD XIV. Identifiers: Orphanet 319646, MedGen C2752015, MONDO:0013968, OMIM 614921.

Allele frequency attached by ClinVar (database versions not stated): gnomAD exomes 0.00617; ExAC 0.00751; gnomAD 0.02455 and 0.02624; ESP Exome Variant Server 0.02723; TOPMed 0.02759; 1000 Genomes Project 0.02975; 1000 Genomes Project 30x 0.03139.
gnomAD v4.1: 7,147 of 1,613,720 alleles (0.44%); highest among the groups gnomAD compares: African/African-American, 8.3%; 260 homozygotes.

Submissions (5):

Labcorp Genetics (formerly Invitae), Labcorp
Classification: Benign for PGM1-congenital disorder of glycosylation. Last evaluated: 2026-02-01. Review status: criteria provided, single submitter. Criteria: Invitae Variant Classification Sherloc (09022015). Collection method: clinical testing. Allele origin: germline.

ARUP Laboratories, Molecular Genetics and Genomics, ARUP Laboratories
Classification: Benign for PGM1-congenital disorder of glycosylation. Last evaluated: 2023-10-16. Review status: criteria provided, single submitter. Criteria: ARUP Molecular Germline Variant Investigation Process 2024. Collection method: clinical testing. Allele origin: germline.

Mayo Clinic Laboratories, Mayo Clinic
Classification: Benign. Last evaluated: 2018-08-21. Review status: criteria provided, single submitter. Criteria: ACMG Guidelines, 2015. Collection method: clinical testing. Allele origin: germline. Observed: 27 variant alleles.

GeneDx
Classification: Benign. Last evaluated: 2016-02-16. Review status: criteria provided, single submitter. Criteria: GeneDx Variant Classification (06012015). Collection method: clinical testing. Allele origin: germline. Affected: yes.
Comment: This variant is considered likely benign or benign based on one or more of the following criteria: it is a conservative change, it occurs at a poorly conserved position in the protein, it is predicted to be benign by multiple in silico algorithms, and/or has population frequency not consistent with disease.

Breakthrough Genomics
Classification: Likely benign. Review status: criteria provided, single submitter. Criteria: ACMG Guidelines, 2015. Collection method: not provided. Allele origin: germline. Inheritance: Autosomal recessive inheritance. Affected: yes.

NM_002633.3(PGM1):c.399T>C (p.Ile133=)

Gene: PGM1 (phosphoglucomutase 1; plus strand). Cytogenetic location: 1p31.3.
Variant type: single nucleotide variant.
Coding change: c.399T>C on transcript NM_002633.3 (MANE Select); coding-DNA position 399, T replaced by C.
Protein change: p.Ile133=; no amino-acid change (isoleucine 133 retained).
Molecular consequence: synonymous variant. On other transcripts: 5 prime UTR variant (1).
Genome position (GRCh38, 1-based): chr1:63,629,577, T>C. VCF-style: chr1-63629577-T-C. GRCh37 (hg19) VCF-style: chr1-64095248-T-C.
Other names: p.Ile133=; c.453T>C, p.Ile151= (NM_001172818.1); c.-193T>C (NM_001172819.2).
Identifiers: ClinVar variation 297872 (VCV000297872.17), dbSNP rs1126727, ClinGen allele CA889520.